The following is an entry in ClinVar:

NM_005228.5(EGFR):c.1636C>T (p.Pro546Ser)

Gene: EGFR (epidermal growth factor receptor; plus strand). Cytogenetic location: 7p11.2.
Variant type: single nucleotide variant.
Coding change: c.1636C>T on transcript NM_005228.5 (MANE Select); coding-DNA position 1636, C replaced by T.
Protein change: p.Pro546Ser; replaces proline 546 with serine.
Molecular consequence: missense variant.
Genome position (GRCh38, 1-based): chr7:55,163,737, C>T. VCF-style: chr7-55163737-C-T. GRCh37 (hg19) VCF-style: chr7-55231430-C-T.
Other names: c.835C>T, p.Pro279Ser (NM_001346941.2); c.1636C>T, p.Pro546Ser (NM_201282.2, NM_201284.2, NM_001346898.2); c.1501C>T, p.Pro501Ser (NM_001346897.2, NM_001346899.2); c.1477C>T, p.Pro493Ser (NM_001346900.2); short protein forms P546S, P279S, P493S, P501S.
Identifiers: ClinVar variation 4763807 (VCV004763807.1), dbSNP rs1057519830.

ClinVar aggregate classification (germline): Uncertain significance (1 of 4 stars; one submission).

Conditions:
EGFR-related lung cancer (EGFR). Identifiers: MedGen CN130014.

Submission:

Labcorp Genetics (formerly Invitae), Labcorp
Classification: Uncertain significance for EGFR-related lung cancer. Last evaluated: 2025-12-01. Review status: criteria provided, single submitter. Criteria: Invitae Variant Classification Sherloc (09022015). Collection method: clinical testing. Allele origin: germline.
Comment: This sequence change replaces proline, which is neutral and non-polar, with serine, which is neutral and polar, at codon 546 of the EGFR protein (p.Pro546Ser). This variant is not present in population databases (gnomAD no frequency). This variant has not been reported in the literature in individuals affected with EGFR-related conditions. Invitae Evidence Modeling of protein sequence and biophysical properties (such as structural, functional, and spatial information, amino acid conservation, physicochemical variation, residue mobility, and thermodynamic stability) indicates that this missense variant is not expected to disrupt EGFR protein function with a negative predictive value of 80%. Experimental studies are conflicting or provide insufficient evidence to determine the effect of this variant on EGFR function (PMID: 23578570, 27556186). In summary, the available evidence is currently insufficient to determine the role of this variant in disease. Therefore, it has been classified as a Variant of Uncertain Significance.

Literature cited by the submitters: PubMed 23578570; PubMed 27556186.